The following is an entry in ClinVar:

ClinVar aggregate classification (germline): Likely benign (1 of 4 stars; one submission).

Conditions:
Tyrosinemia type II (TYRSN2). Also called: KERATOSIS PALMOPLANTARIS WITH CORNEAL DYSTROPHY; OREGON TYPE TYROSINEMIA; TAT DEFICIENCY; TYROSINE AMINOTRANSFERASE DEFICIENCY; TYROSINE TRANSAMINASE DEFICIENCY. Identifiers: Orphanet 28378, MedGen C0268487, MONDO:0010160, OMIM 276600.

Allele frequency attached by ClinVar (database versions not stated): 1000 Genomes Project 0.00180; 1000 Genomes Project 30x 0.00219; gnomAD exomes 0.00495; TOPMed 0.00555; gnomAD 0.00777.
gnomAD v4.1: 1,128 of 152,462 alleles (0.74%); highest among the groups gnomAD compares: Non-Finnish European, 1.1%; 7 homozygotes.

Submission:

Illumina Laboratory Services, Illumina
Classification: Likely benign for Tyrosinemia type II. Last evaluated: 2018-01-12. Review status: criteria provided, single submitter. Criteria: ICSL Variant Classification Criteria 13 December 2019. Collection method: clinical testing. Allele origin: germline.
Comment: This variant was observed in the ICSL laboratory as part of a predisposition screen in an ostensibly healthy population. It had not been previously curated by ICSL or reported in the Human Gene Mutation Database (HGMD: prior to June 1st, 2018), and was therefore a candidate for classification through an automated scoring system. Utilizing variant allele frequency, disease prevalence and penetrance estimates, and inheritance mode, an automated score was calculated to assess if this variant is too frequent to cause the disease. Based on the score and internal cut-off values, a variant classified as likely benign is not then subjected to further curation. The score for this variant resulted in a classification of likely benign for this disease.

NM_000353.3(TAT):c.*813G>C

Genes: TAT (tyrosine aminotransferase; minus strand), TAT-AS1 (TAT antisense RNA 1; plus strand). Cytogenetic location: 16q22.2.
Variant type: single nucleotide variant.
Coding change: c.*813G>C on transcript NM_000353.3 (MANE Select); 813 bases downstream of the stop codon, G replaced by C.
Molecular consequence: 3 prime UTR variant.
Genome position (GRCh38, 1-based): chr16:71,567,331, C>G on the plus strand (G>C on the coding strand, the complement: TAT is on the minus strand). VCF-style: chr16-71567331-C-G. GRCh37 (hg19) VCF-style: chr16-71601234-C-G.
Identifiers: ClinVar variation 320392 (VCV000320392.5), dbSNP rs182924845, ClinGen allele CA10638272.